The following is an entry in ClinVar:

NM_006231.4(POLE):c.20G>A (p.Gly7Glu)

Genes: POLE (DNA polymerase epsilon, catalytic subunit; minus strand), LOC130009266 (ATAC-STARR-seq lymphoblastoid silent region 5123; plus strand). Cytogenetic location: 12q24.33.
Variant type: single nucleotide variant.
Coding change: c.20G>A on transcript NM_006231.4 (MANE Select); coding-DNA position 20, G replaced by A.
Protein change: p.Gly7Glu; replaces glycine 7 with glutamic acid.
Molecular consequence: missense variant.
Genome position (GRCh38, 1-based): chr12:132,687,296, C>T on the plus strand (G>A on the coding strand, the complement: POLE is on the minus strand). VCF-style: chr12-132687296-C-T. GRCh37 (hg19) VCF-style: chr12-133263882-C-T.
Other names: c.20G>A (NM_006231.2); short protein forms G7E.
Identifiers: ClinVar variation 957998 (VCV000957998.12), dbSNP rs929537284, ClinGen allele CA246308267.

ClinVar aggregate classification (germline): Conflicting classifications of pathogenicity. Review status: criteria provided, conflicting classifications (1 of 4 stars). 4 submissions from 4 submitters: Uncertain significance (2); Likely benign (1). 1 of the submissions does not count toward it. Last evaluated 2025-12-09.

Conditions:
POLE-related disorder. Also called: POLE-related condition; POLE-related disorders.
Intrauterine growth retardation, metaphyseal dysplasia, adrenal hypoplasia congenita, genital anomalies, and immunodeficiency. Also called: IMAGEI SYNDROME. Identifiers: MedGen C5193036, MONDO:0032684, OMIM 618336.
Colorectal cancer, susceptibility to, 12 (CRCS12). Also called: COLORECTAL CANCER, SUSCEPTIBILITY TO, ON CHROMOSOME 12q24. Identifiers: Orphanet 220460, MedGen C3554460, MONDO:0014038, OMIM 615083.
Facial dysmorphism-immunodeficiency-livedo-short stature syndrome. Also called: FILS syndrome; Facial dysmorphism, immunodeficiency, livedo, and short stature. Identifiers: Orphanet 352712, MedGen C3554576, MONDO:0014058, OMIM 615139.
Hereditary cancer-predisposing syndrome. Also called: Tumor predisposition; Hereditary neoplastic syndrome; Neoplastic Syndromes, Hereditary; Hereditary Cancer Syndrome. Identifiers: Orphanet 140162, MedGen C0027672, MeSH D009386, MONDO:0015356.

Allele frequency attached by ClinVar (database versions not stated): TOPMed below 0.00001; gnomAD exomes 0.00001; gnomAD 0.00003 and 0.00004.
gnomAD v4.1: 10 of 1,505,844 alleles (0.00066%); highest among the groups gnomAD compares: Non-Finnish European, 0.0008%; no homozygotes.

Submissions (4):

Labcorp Genetics (formerly Invitae), Labcorp
Classification: Uncertain significance. Last evaluated: 2025-12-09. Review status: criteria provided, single submitter. Criteria: Invitae Variant Classification Sherloc (09022015). Collection method: clinical testing. Allele origin: germline.
Comment: This sequence change replaces glycine, which is neutral and non-polar, with glutamic acid, which is acidic and polar, at codon 7 of the POLE protein (p.Gly7Glu). The frequency data for this variant in the population databases is considered unreliable, as metrics indicate poor data quality at this position in the gnomAD database. This variant has not been reported in the literature in individuals affected with POLE-related conditions. ClinVar contains an entry for this variant (Variation ID: 957998). Experimental studies and prediction algorithms are not available or were not evaluated, and the functional significance of this variant is currently unknown. In summary, the available evidence is currently insufficient to determine the role of this variant in disease. Therefore, it has been classified as a Variant of Uncertain Significance.

Ambry Genetics
Classification: Likely benign for Hereditary cancer-predisposing syndrome. Last evaluated: 2025-05-16. Review status: criteria provided, single submitter. Criteria: Ambry Variant Classification Scheme 2023. Collection method: clinical testing. Allele origin: germline.

Fulgent Genetics
Classification: Uncertain significance for Colorectal cancer, susceptibility to, 12; Facial dysmorphism-immunodeficiency-livedo-short stature syndrome; Intrauterine growth retardation, metaphyseal dysplasia, adrenal hypoplasia congenita, genital anomalies, and immunodeficiency. Last evaluated: 2024-03-19. Review status: criteria provided, single submitter. Criteria: ACMG Guidelines, 2015. Collection method: clinical testing. Allele origin: germline.

PreventionGenetics, part of Exact Sciences
Classification: Uncertain significance for POLE-related condition. Last evaluated: 2023-12-19. Review status: no assertion criteria provided. Collection method: clinical testing. Allele origin: germline. Not counted in ClinVar's aggregate classification.
Comment: The POLE c.20G>A variant is predicted to result in the amino acid substitution p.Gly7Glu. To our knowledge, this variant has not been reported in the literature. This variant is reported in 0.011% of alleles in individuals of European (Non-Finnish) descent in gnomAD. It is interpreted as uncertain significance in ClinVar. At this time, the clinical significance of this variant is uncertain due to the absence of conclusive functional and genetic evidence.